The following is an entry in ClinVar:

NM_018685.5(ANLN):c.2818G>A (p.Ala940Thr)

Gene: ANLN (anillin, actin binding protein; plus strand). Cytogenetic location: 7p14.2.
Variant type: single nucleotide variant.
Coding change: c.2818G>A on transcript NM_018685.5 (MANE Select); coding-DNA position 2818, G replaced by A.
Protein change: p.Ala940Thr; replaces alanine 940 with threonine.
Molecular consequence: missense variant.
Genome position (GRCh38, 1-based): chr7:36,426,963, G>A. VCF-style: chr7-36426963-G-A. GRCh37 (hg19) VCF-style: chr7-36466572-G-A.
Other names: c.2707G>A, p.Ala903Thr (NM_001284301.3); c.2704G>A, p.Ala902Thr (NM_001284302.3); c.2818G>A (NM_018685.2); short protein forms A902T, A903T, A940T.
Identifiers: ClinVar variation 1419506 (VCV001419506.7), dbSNP rs374276642, ClinGen allele CA4220006.

ClinVar aggregate classification (germline): Uncertain significance. Review status: criteria provided, multiple submitters, no conflicts (2 of 4 stars). 2 submissions from 2 submitters: Uncertain significance (2). Last evaluated 2025-07-04.

Allele frequency attached by ClinVar (database versions not stated): ESP Exome Variant Server 0.00008; gnomAD exomes 0.00013.
gnomAD v4.1: 190 of 1,613,216 alleles (0.012%); highest among the groups gnomAD compares: Non-Finnish European, 0.015%; no homozygotes.

Submissions (2):

Labcorp Genetics (formerly Invitae), Labcorp
Classification: Uncertain significance. Last evaluated: 2025-07-04. Review status: criteria provided, single submitter. Criteria: Invitae Variant Classification Sherloc (09022015). Collection method: clinical testing. Allele origin: germline.
Comment: This sequence change replaces alanine, which is neutral and non-polar, with threonine, which is neutral and polar, at codon 940 of the ANLN protein (p.Ala940Thr). This variant is present in population databases (rs374276642, gnomAD 0.007%). This variant has not been reported in the literature in individuals affected with ANLN-related conditions. ClinVar contains an entry for this variant (Variation ID: 1419506). Invitae Evidence Modeling of protein sequence and biophysical properties (such as structural, functional, and spatial information, amino acid conservation, physicochemical variation, residue mobility, and thermodynamic stability) indicates that this missense variant is not expected to disrupt ANLN protein function with a negative predictive value of 80%. In summary, the available evidence is currently insufficient to determine the role of this variant in disease. Therefore, it has been classified as a Variant of Uncertain Significance.

Ambry Genetics
Classification: Uncertain significance. Last evaluated: 2023-05-23. Review status: criteria provided, single submitter. Criteria: Ambry Variant Classification Scheme 2023. Collection method: clinical testing. Allele origin: germline.